The following is an entry in ClinVar:

ClinVar aggregate classification (germline): Likely benign (0 of 4 stars; one submission).

Conditions:
IGHMBP2-related disorder. Also called: IGHMBP2-related disorders; IGHMBP2-related condition.

Allele frequency attached by ClinVar (database versions not stated): ExAC 0.00172; TOPMed 0.00241; gnomAD 0.00244; 1000 Genomes Project 30x 0.00250; 1000 Genomes Project 0.00260; ESP Exome Variant Server 0.00300.
gnomAD v4.1: 3,094 of 1,585,430 alleles (0.2%); highest among the groups gnomAD compares: African/African-American, 0.45%; 7 homozygotes.

Submission:

PreventionGenetics, part of Exact Sciences
Classification: Likely benign for IGHMBP2-related condition. Last evaluated: 2019-05-30. Review status: no assertion criteria provided. Collection method: clinical testing. Allele origin: germline.
Comment: This variant is classified as likely benign based on ACMG/AMP sequence variant interpretation guidelines (Richards et al. 2015 PMID: 25741868, with internal and published modifications).

NM_002180.3(IGHMBP2):c.1235+34C>T

Gene: IGHMBP2 (immunoglobulin mu DNA binding protein 2; plus strand). Cytogenetic location: 11q13.3.
Variant type: single nucleotide variant.
Coding change: c.1235+34C>T on transcript NM_002180.3 (MANE Select); 34 bases into the intron after coding-DNA position 1235, C replaced by T.
Molecular consequence: intron variant.
Genome position (GRCh38, 1-based): chr11:68,929,391, C>T. VCF-style: chr11-68929391-C-T. GRCh37 (hg19) VCF-style: chr11-68696859-C-T.
Identifiers: ClinVar variation 3038533 (VCV003038533.2), dbSNP rs141851480, ClinGen allele CA6153555.